The following is an entry in ClinVar:

ClinVar aggregate classification (germline): Uncertain significance (1 of 4 stars; one submission).

Conditions:
Neuronal ceroid lipofuscinosis. Also called: Neuronal Ceroid Lipofuscinoses. Identifiers: Orphanet 216, Orphanet 79263, MedGen C0027877, MONDO:0016295. Disease mechanism: loss of function.

Allele frequency attached by ClinVar (database versions not stated): gnomAD exomes below 0.00001.
gnomAD v4.1: 1 of 1,613,966 alleles (0.000062%); highest among the groups gnomAD compares: Admixed American, 0.0017%; no homozygotes.

Submission:

Labcorp Genetics (formerly Invitae), Labcorp
Classification: Uncertain significance for Neuronal ceroid lipofuscinosis. Last evaluated: 2022-02-20. Review status: criteria provided, single submitter. Criteria: Invitae Variant Classification Sherloc (09022015). Collection method: clinical testing. Allele origin: germline.
Comment: This sequence change replaces alanine, which is neutral and non-polar, with threonine, which is neutral and polar, at codon 135 of the CLN3 protein (p.Ala135Thr). This variant is present in population databases (no rsID available, gnomAD 0.003%). This variant has not been reported in the literature in individuals affected with CLN3-related conditions. Algorithms developed to predict the effect of missense changes on protein structure and function are either unavailable or do not agree on the potential impact of this missense change (SIFT: "Tolerated"; PolyPhen-2: "Possibly Damaging"; Align-GVGD: "Class C0"). In summary, the available evidence is currently insufficient to determine the role of this variant in disease. Therefore, it has been classified as a Variant of Uncertain Significance.

NM_001042432.2(CLN3):c.403G>A (p.Ala135Thr)

Gene: CLN3 (CLN3 lysosomal/endosomal transmembrane protein, battenin; minus strand). Cytogenetic location: 16p12.1.
Variant type: single nucleotide variant.
Coding change: c.403G>A on transcript NM_001042432.2 (MANE Select); coding-DNA position 403, G replaced by A.
Protein change: p.Ala135Thr; replaces alanine 135 with threonine.
Molecular consequence: missense variant.
Genome position (GRCh38, 1-based): chr16:28,487,513, C>T on the plus strand (G>A on the coding strand, the complement: CLN3 is on the minus strand). VCF-style: chr16-28487513-C-T. GRCh37 (hg19) VCF-style: chr16-28498834-C-T.
Other names: c.403G>A, p.Ala135Thr (NM_000086.2); c.331G>A, p.Ala111Thr (NM_001286104.2); c.103G>A, p.Ala35Thr (NM_001286105.2); c.169G>A, p.Ala57Thr (NM_001286109.2); c.241G>A, p.Ala81Thr (NM_001286110.2); short protein forms A135T, A57T, A81T, A35T, A111T.
Identifiers: ClinVar variation 1449337 (VCV001449337.3), dbSNP rs1314360861, ClinGen allele CA395345924.